The following is an entry in ClinVar:

NM_000095.3(COMP):c.874T>C (p.Cys292Arg)

Gene: COMP (cartilage oligomeric matrix protein; minus strand). Cytogenetic location: 19p13.11.
Variant type: single nucleotide variant.
Coding change: c.874T>C on transcript NM_000095.3 (MANE Select); coding-DNA position 874, T replaced by C.
Protein change: p.Cys292Arg; replaces cysteine 292 with arginine.
Molecular consequence: missense variant.
Genome position (GRCh38, 1-based): chr19:18,788,313, A>G on the plus strand (T>C on the coding strand, the complement: COMP is on the minus strand). VCF-style: chr19-18788313-A-G. GRCh37 (hg19) VCF-style: chr19-18899122-A-G.
Other names: short protein forms C292R.
Identifiers: ClinVar variation 818218 (VCV000818218.14), dbSNP rs2055184939, ClinGen allele CA404891824.

ClinVar aggregate classification (germline): Pathogenic/Likely pathogenic. Review status: criteria provided, multiple submitters, no conflicts (2 of 4 stars). 3 submissions from 2 submitters: Pathogenic (2); Likely pathogenic (1). Last evaluated 2020-06-26.

Conditions:
Pseudoachondroplastic spondyloepiphyseal dysplasia syndrome (PSACH). Also called: PSEUDOACHONDROPLASTIC DYSPLASIA; Pseudoachondroplasia; COMP-Related Pseudoachondroplasia. Identifiers: Orphanet 750, MedGen C0410538, MONDO:0008322, OMIM 177170.
Multiple epiphyseal dysplasia type 1. Also called: COMP-Related Multiple Epiphyseal Dysplasia. Identifiers: Orphanet 93308, MedGen C1838280, MONDO:0007561, OMIM 132400.

Submissions (3):

Labcorp Genetics (formerly Invitae), Labcorp
Classification: Pathogenic. Last evaluated: 2020-06-26. Review status: criteria provided, single submitter. Criteria: Invitae Variant Classification Sherloc (09022015). Collection method: clinical testing. Allele origin: germline.
Comment: For these reasons, this variant has been classified as Pathogenic. This variant disrupts the p.Cys292 amino acid residue in COMP. Other variant(s) that disrupt this residue have been observed in individuals with COMP-related conditions (PMID: 10405447, 30138938, 21965141), which suggests that this may be a clinically significant amino acid residue. Algorithms developed to predict the effect of missense changes on protein structure and function (SIFT, PolyPhen-2, Align-GVGD) all suggest that this variant is likely to be disruptive, but these predictions have not been confirmed by published functional studies and their clinical significance is uncertain. This variant has been observed in individual(s) with clinical features of pseudoachondroplasia (Invitae). In at least one individual the variant was observed to be de novo. This variant is not present in population databases (ExAC no frequency). This sequence change replaces cysteine with arginine at codon 292 of the COMP protein (p.Cys292Arg). The cysteine residue is highly conserved and there is a large physicochemical difference between cysteine and arginine.

Kasturba Medical College, Manipal, Kasturba Medical College, Manipal, Manipal Academy of Higher Education, Manipal, India
Classification: Likely pathogenic for Pseudoachondroplastic spondyloepiphyseal dysplasia syndrome. Last evaluated: 2020-02-03. Review status: criteria provided, single submitter. Criteria: ACMG Guidelines, 2015. Collection method: clinical testing. Allele origin: de novo. Affected: yes. Observed: 1 variant allele.
Comment: The variant is considered to be likely pathogenic as it qualifies following criteria of ACMG: PM1, PM2, PM5, PP2,PP3 and PP4

Kasturba Medical College, Manipal, Kasturba Medical College, Manipal, Manipal Academy of Higher Education, Manipal, India
Classification: Pathogenic for Multiple epiphyseal dysplasia type 1. Review status: criteria provided, single submitter. Criteria: ACMG Guidelines, 2015. Collection method: clinical testing. Allele origin: de novo. Inheritance: Autosomal dominant inheritance. Affected: yes.
Comment: This variant is not observed in our in-house data of 3810 exomes and in gnomAD database (v4.1.0). In silico prediction tools (CADD_phred, Revel) are consistent in predicting the variant to be damaging to COMP protein function.

Literature cited by the submitters: PubMed 10405447 (cited by Labcorp Genetics (formerly Invitae), Labcorp); PubMed 30138938 (cited by Labcorp Genetics (formerly Invitae), Labcorp); PubMed 21965141 (cited by Labcorp Genetics (formerly Invitae), Labcorp); PubMed 12768438 (cited by Kasturba Medical College, Manipal, Kasturba Medical College, Manipal, Manipal Academy of Higher Education, Manipal, India); PMC 21965141 (cited by Kasturba Medical College, Manipal, Kasturba Medical College, Manipal, Manipal Academy of Higher Education, Manipal, India).